The following is an entry in ClinVar:

ClinVar aggregate classification (germline): Uncertain significance. Review status: criteria provided, multiple submitters, no conflicts (2 of 4 stars). 3 submissions from 3 submitters: Uncertain significance (2). 1 of the submissions does not count toward it. Last evaluated 2024-03-04.

Conditions:
Aortic valve disease 2 (AOVD2). Identifiers: MedGen C3542024, MONDO:0013902, OMIM 614823.
Radioulnar synostosis. Also called: Congenital radioulnar synostosis. Identifiers: Orphanet 3269, MedGen C0158761, MONDO:0017985, HP:0002974.

Allele frequency attached by ClinVar (database versions not stated): gnomAD exomes below 0.00001.
gnomAD v4.1: 4 of 1,507,900 alleles (0.00027%); highest among the groups gnomAD compares: Non-Finnish European, 0.00035%; no homozygotes.

Submissions (3):

Labcorp Genetics (formerly Invitae), Labcorp
Classification: Uncertain significance for Aortic valve disease 2. Last evaluated: 2024-03-04. Review status: criteria provided, single submitter. Criteria: Invitae Variant Classification Sherloc (09022015). Collection method: clinical testing. Allele origin: germline.
Comment: This sequence change replaces histidine, which is basic and polar, with tyrosine, which is neutral and polar, at codon 265 of the SMAD6 protein (p.His265Tyr). This variant is not present in population databases (gnomAD no frequency). This missense change has been observed in individual(s) with radioulnar synostosis (PMID: 34953066). ClinVar contains an entry for this variant (Variation ID: 1174560). Advanced modeling of protein sequence and biophysical properties (such as structural, functional, and spatial information, amino acid conservation, physicochemical variation, residue mobility, and thermodynamic stability) performed at Invitae indicates that this missense variant is expected to disrupt SMAD6 protein function with a positive predictive value of 80%. In summary, the available evidence is currently insufficient to determine the role of this variant in disease. Therefore, it has been classified as a Variant of Uncertain Significance.

GeneDx
Classification: Uncertain significance. Last evaluated: 2024-01-17. Review status: criteria provided, single submitter. Criteria: GeneDx Variant Classification Process June 2021. Collection method: clinical testing. Allele origin: germline. Affected: yes.
Comment: Reported in unrelated patients with radioulnar synostosis in published literature; however, at least one variant was inherited from an unaffected parent (PMID: 34953066); Identified in a patient with craniosynostosis in published literature; however, the variant was inherited from an unaffected parent (PMID: 36732661); Not observed at significant frequency in large population cohorts (gnomAD); In silico analysis supports that this missense variant has a deleterious effect on protein structure/function; This variant is associated with the following publications: (PMID: 34953066, 36732661)

The Laboratory of Genetics and Metabolism, Hunan Children’s Hospital
Classification: Uncertain significance for Radioulnar synostosis. Last evaluated: 2020-06-20. Review status: no assertion criteria provided. Collection method: research. Allele origin: paternal. Affected: yes. Not counted in ClinVar's aggregate classification.

Literature cited by the submitters: PubMed 34953066 (cited by Labcorp Genetics (formerly Invitae), Labcorp).

NM_005585.5(SMAD6):c.793C>T (p.His265Tyr)

Gene: SMAD6 (SMAD family member 6; plus strand). Cytogenetic location: 15q22.31.
Variant type: single nucleotide variant.
Coding change: c.793C>T on transcript NM_005585.5 (MANE Select); coding-DNA position 793, C replaced by T.
Protein change: p.His265Tyr; replaces histidine 265 with tyrosine.
Molecular consequence: missense variant. On other transcripts: non-coding transcript variant (1).
Genome position (GRCh38, 1-based): chr15:66,704,051, C>T. VCF-style: chr15-66704051-C-T. GRCh37 (hg19) VCF-style: chr15-66996389-C-T.
Other names: c.793C>T (NM_005585.4); short protein forms H265Y.
Identifiers: ClinVar variation 1174560 (VCV001174560.8), dbSNP rs1555434295, ClinGen allele CA392950260.
Genomic context (GRCh38, chr15:66,704,051, plus strand): 5'-TGCGGCTGCCACAGCTTCGCCGCCGCCGCCGACGGCCCTACCGTGTGCTGCAACCCCTAC[C>T]ACTTCAGCCGGCTCTGCGGGCCCGGTGAGCGCGCTGCGCCGGCCGGGGGGGCCCCGGGTC-3'
Protein context (NP_005576.3, residues 255-275): DGPTVCCNPY[His265Tyr]FSRLCGPESP